The following is an entry in ClinVar:

ClinVar aggregate classification (germline): Likely benign (1 of 4 stars; one submission).

Submission:

CeGaT Center for Human Genetics Tuebingen
Classification: Likely benign. Last evaluated: 2026-08-01. Review status: criteria provided, single submitter. Criteria: CeGaT Center For Human Genetics Tuebingen Variant Classification Criteria Version 2. Collection method: clinical testing. Allele origin: germline. Affected: yes. Observed: 20 variant alleles.
Comment: SYNE1: BS2

NM_182961.4(SYNE1):c.3027+34del

Gene: SYNE1 (spectrin repeat containing nuclear envelope protein 1; minus strand). Cytogenetic location: 6q25.2.
Variant type: Deletion.
Coding change: c.3027+34del on transcript NM_182961.4 (MANE Select); 34 bases into the intron after coding-DNA position 3027, one base deleted (C; older notation c.3027+34delC).
Molecular consequence: intron variant.
Genome position (GRCh38, 1-based): chr6:152,453,552, G deleted on the plus strand (C on the coding strand, the reverse complement: SYNE1 is on the minus strand); the first of 2 consecutive G bases (chr6:152,453,552-152,453,553); deleting either gives the same sequence. VCF-style (leftmost placement, unchanged base first): chr6-152453551-AG-A. GRCh37 (hg19) VCF-style: chr6-152774686-AG-A.
Other names: c.3048+34del (NM_033071.5).
Identifiers: ClinVar variation 916488 (VCV000916488.40), dbSNP rs547705798, ClinGen allele CA4058963.
Genomic context (GRCh38, chr6:152,453,551, plus strand): 5'-GGAATTTCTAAATTTCTCTTACATTTGGACCTTAACACGCTCAAGCTTCTCCCTTCATTG[AG>A]GATGCACGGTGTCTCCGTCCTGTCCTGACTCACCTTCCATTGTTTGTGGAGCTTTCGAAC-3'